The following is an entry in ClinVar:

NC_000004.12:g.(?_52033421)_(52033650_?)del

Gene: SGCB (sarcoglycan beta; minus strand). Cytogenetic location: 4q12.
Variant type: Deletion.
Identifiers: ClinVar variation 832156 (VCV000832156.1).

ClinVar aggregate classification (germline): Pathogenic (1 of 4 stars; one submission).

Conditions:
Autosomal recessive limb-girdle muscular dystrophy type 2E (LGMDR4). Also called: MUSCULAR DYSTROPHY, LIMB-GIRDLE, AUTOSOMAL RECESSIVE 4. Identifiers: Orphanet 119, MedGen C1858593, MONDO:0011423, OMIM 604286. Disease mechanism: Affects gamma-sarcoglycan and also disrupts the integrity of the entire sarcoglycan complex..

Submission:

Labcorp Genetics (formerly Invitae), Labcorp
Classification: Pathogenic for Limb-girdle muscular dystrophy, type 2E. Last evaluated: 2019-02-18. Review status: criteria provided, single submitter. Criteria: Invitae Variant Classification Sherloc (09022015). Collection method: clinical testing. Allele origin: germline.
Comment: This variant is an in-frame deletion of the genomic region encompassing exon 2 of the SGCB gene. It preserves the integrity of the reading frame. This variant has been observed in several individuals affected with autosomal recessive limb-girdle muscular dystrophy and to segregate with disease in a family (PMID: 28687063, 28883879). Experimental studies and prediction algorithms are not available for this variant, and the functional significance of the affected amino acid(s) is currently unknown. For these reasons, this variant has been classified as Pathogenic.

Literature cited by the submitters: PubMed 28883879; PubMed 28687063.